The following is an entry in ClinVar:

ClinVar aggregate classification (germline): Uncertain significance. Review status: criteria provided, multiple submitters, no conflicts (2 of 4 stars). 3 submissions from 3 submitters: Uncertain significance (3). Last evaluated 2025-11-28.

Conditions:
Catecholaminergic polymorphic ventricular tachycardia (CVPT). Also called: Catecholamine-induced polymorphic ventricular tachycardia. Identifiers: Orphanet 3286, MedGen C5574922, MONDO:0017990.
Catecholaminergic polymorphic ventricular tachycardia 1. Also called: VENTRICULAR TACHYCARDIA, STRESS-INDUCED POLYMORPHIC 1; VENTRICULAR TACHYCARDIA, CATECHOLAMINERGIC POLYMORPHIC, 1, WITH OR WITHOUT ATRIAL DYSFUNCTION AND/OR DILATED CARDIOMYOPATHY; RYR2-Related Catecholaminergic Polymorphic Ventricular Tachycardia. Identifiers: Orphanet 3286, MedGen C1631597, MONDO:0011484, OMIM 604772.
Cardiomyopathy (CMYO). Also called: Cardiomyopathies. Identifiers: Orphanet 167848, MedGen C0878544, MONDO:0004994, HP:0001638. Inheritance: Various modes of inheritance.

Submissions (3):

Labcorp Genetics (formerly Invitae), Labcorp
Classification: Uncertain significance for Catecholaminergic polymorphic ventricular tachycardia 1. Last evaluated: 2025-11-28. Review status: criteria provided, single submitter. Criteria: Invitae Variant Classification Sherloc (09022015). Collection method: clinical testing. Allele origin: germline.
Comment: This sequence change replaces proline, which is neutral and non-polar, with serine, which is neutral and polar, at codon 1969 of the RYR2 protein (p.Pro1969Ser). This variant is not present in population databases (gnomAD no frequency). This variant has not been reported in the literature in individuals affected with RYR2-related conditions. ClinVar contains an entry for this variant (Variation ID: 2774313). Invitae Evidence Modeling of protein sequence and biophysical properties (such as structural, functional, and spatial information, amino acid conservation, physicochemical variation, residue mobility, and thermodynamic stability) has been performed for this missense variant. However, the output from this modeling did not meet the statistical confidence thresholds required to predict the impact of this variant on RYR2 protein function. In summary, the available evidence is currently insufficient to determine the role of this variant in disease. Therefore, it has been classified as a Variant of Uncertain Significance.

All of Us Research Program, National Institutes of Health
Classification: Uncertain significance for Catecholaminergic polymorphic ventricular tachycardia. Last evaluated: 2023-04-10. Review status: criteria provided, single submitter. Criteria: ACMG Guidelines, 2015. Collection method: clinical testing. Allele origin: germline. Inheritance: Autosomal dominant inheritance. Observed: 1 variant allele, 1 heterozygote.
Comment: This missense variant replaces proline with serine at codon 1969 of the RYR2 protein. Computational prediction is inconclusive regarding the impact of this variant on protein structure and function (internally defined REVEL score threshold 0.5 < inconclusive < 0.7, PMID: 27666373). To our knowledge, functional studies have not been reported for this variant. This variant has not been reported in individuals affected with RYR2-related disorders in the literature. This variant has not been identified in the general population by the Genome Aggregation Database (gnomAD). The available evidence is insufficient to determine the role of this variant in disease conclusively. Therefore, this variant is classified as a Variant of Uncertain Significance.

This study involves interpretation of variants in research participants for the purpose of population health screening. Participant phenotype was not available at the time of variant classification. Additional details can be found in publication PMID: 35346344, PMCID: PMC8962531

Color Diagnostics, LLC DBA Color Health
Classification: Uncertain significance for Cardiomyopathy. Last evaluated: 2022-11-06. Review status: criteria provided, single submitter. Criteria: ACMG Guidelines, 2015. Collection method: clinical testing. Allele origin: germline.
Comment: This missense variant replaces proline with serine at codon 1969 of the RYR2 protein. Computational prediction is inconclusive regarding the impact of this variant on protein structure and function (internally defined REVEL score threshold 0.5 < inconclusive < 0.7, PMID: 27666373). To our knowledge, functional studies have not been reported for this variant. This variant has not been reported in individuals affected with RYR2-related disorders in the literature. This variant has not been identified in the general population by the Genome Aggregation Database (gnomAD). The available evidence is insufficient to determine the role of this variant in disease conclusively. Therefore, this variant is classified as a Variant of Uncertain Significance.

NM_001035.3(RYR2):c.5905C>T (p.Pro1969Ser)

Gene: RYR2 (ryanodine receptor 2; plus strand). Cytogenetic location: 1q43.
Variant type: single nucleotide variant.
Coding change: c.5905C>T on transcript NM_001035.3 (MANE Select); coding-DNA position 5905, C replaced by T.
Protein change: p.Pro1969Ser; replaces proline 1969 with serine.
Molecular consequence: missense variant.
Genome position (GRCh38, 1-based): chr1:237,617,475, C>T. VCF-style: chr1-237617475-C-T. GRCh37 (hg19) VCF-style: chr1-237780775-C-T.
Other names: short protein forms P1969S.
Identifiers: ClinVar variation 2774313 (VCV002774313.4), dbSNP rs1678601945, ClinGen allele CA345407423.